The following is an entry in ClinVar:

ClinVar aggregate classification (germline): Likely benign. Review status: criteria provided, multiple submitters, no conflicts (2 of 4 stars). 3 submissions from 3 submitters: Likely benign (3). Last evaluated 2024-11-05.

Conditions:
Juvenile polyposis syndrome (JPS). Identifiers: Orphanet 2929, MedGen C0345893, MONDO:0017380, OMIM 174900.
Hereditary cancer-predisposing syndrome. Also called: Hereditary Cancer Syndrome; Hereditary neoplastic syndrome; Neoplastic Syndromes, Hereditary; Tumor predisposition. Identifiers: Orphanet 140162, MedGen C0027672, MeSH D009386, MONDO:0015356.

gnomAD v4.1: 1 of 1,614,030 alleles (0.000062%); no homozygotes.

Submissions (3):

Labcorp Genetics (formerly Invitae), Labcorp
Classification: Likely benign for Juvenile polyposis syndrome. Last evaluated: 2024-11-05. Review status: criteria provided, single submitter. Criteria: Invitae Variant Classification Sherloc (09022015). Collection method: clinical testing. Allele origin: germline.

Ambry Genetics
Classification: Likely benign for Hereditary cancer-predisposing syndrome. Last evaluated: 2024-08-02. Review status: criteria provided, single submitter. Criteria: Ambry Variant Classification Scheme 2023. Collection method: clinical testing. Allele origin: germline.

All of Us Research Program, National Institutes of Health
Classification: Likely benign for Juvenile polyposis syndrome. Last evaluated: 2024-05-30. Review status: criteria provided, single submitter. Criteria: ACMG Guidelines, 2015. Collection method: clinical testing. Allele origin: germline. Inheritance: Autosomal dominant inheritance. Observed: 1 variant allele, 1 heterozygote.
Comment: This study involves interpretation of variants in research participants for the purpose of population health screening. Participant phenotype was not available at the time of variant classification. Additional details can be found in publication PMID: 35346344, PMCID: PMC8962531

NM_004329.3(BMPR1A):c.291T>C (p.Ala97=)

Gene: BMPR1A (bone morphogenetic protein receptor type 1A; plus strand). Cytogenetic location: 10q23.2.
Variant type: single nucleotide variant.
Coding change: c.291T>C on transcript NM_004329.3 (MANE Select); coding-DNA position 291, T replaced by C.
Protein change: p.Ala97=; no amino-acid change (alanine 97 retained).
Molecular consequence: synonymous variant. On other transcripts: non-coding transcript variant (3).
Genome position (GRCh38, 1-based): chr10:86,892,187, T>C. VCF-style: chr10-86892187-T-C. GRCh37 (hg19) VCF-style: chr10-88651944-T-C.
Other names: c.291T>C, p.Ala97= (NM_001406563.1, NM_001406564.1, NM_001406565.1 and 23 more transcripts); c.207T>C, p.Ala69= (NM_001406584.1, NM_001406585.1, NM_001406586.1 and 2 more transcripts).
Identifiers: ClinVar variation 3385950 (VCV003385950.4).
Genomic context (GRCh38, chr10:86,892,187, plus strand): 5'-AACTAATGGACATTGCTTTGCCATCATAGAAGAAGATGACCAGGGAGAAACCACATTAGC[T>C]TCAGGGTGTATGAAATATGAAGGATCTGATTTTCAGTGCAAAGTAAGATATAATTTGGGA-3'
Protein context (NP_004320.2, residues 87-107): EEDDQGETTL[Ala97=]SGCMKYEGSD